The following is an entry in ClinVar:

NM_173598.6(KSR2):c.1376T>C (p.Leu459Pro)

Gene: KSR2 (kinase suppressor of ras 2; minus strand). Cytogenetic location: 12q24.22.
Variant type: single nucleotide variant.
Coding change: c.1376T>C on transcript NM_173598.6 (MANE Select); coding-DNA position 1376, T replaced by C.
Protein change: p.Leu459Pro; replaces leucine 459 with proline.
Molecular consequence: missense variant.
Genome position (GRCh38, 1-based): chr12:117,558,523, A>G on the plus strand (T>C on the coding strand, the complement: KSR2 is on the minus strand). VCF-style: chr12-117558523-A-G. GRCh37 (hg19) VCF-style: chr12-117996328-A-G.
Other names: short protein forms L459P.
Identifiers: ClinVar variation 4989242 (VCV004989242.1).

ClinVar aggregate classification (germline): Uncertain significance (1 of 4 stars; one submission).

Conditions:
KSR2-related disorder. Also called: KSR2-related condition.

Submission:

PreventionGenetics, part of Exact Sciences
Classification: Uncertain significance for KSR2-related condition. Last evaluated: 2025-07-24. Review status: criteria provided, single submitter. Criteria: ACMG Guidelines, 2015. Collection method: clinical testing. Allele origin: germline.
Comment: The KSR2 c.1289T>C variant is predicted to result in the amino acid substitution p.Leu430Pro. This variant is also known as c.1376T>C (p.Leu459Pro) on an alternate transcript NM_173598.6. To our knowledge, this variant has not been reported in the literature or in a large population database (gnomAD), indicating this variant is rare. At this time, the clinical significance of this variant is uncertain due to the absence of conclusive functional and genetic evidence.